The following is an entry in ClinVar:

ClinVar aggregate classification (germline): Uncertain significance (1 of 4 stars; one submission).

Conditions:
TOMM70-related neurodevelopmental disorder.

Allele frequency attached by ClinVar (database versions not stated): gnomAD exomes below 0.00001.
gnomAD v4.1: 1 of 1,614,190 alleles (0.000062%); highest among the groups gnomAD compares: Non-Finnish European, 0.000085%; no homozygotes.

Submission:

Undiagnosed Diseases Network, NIH
Classification: Uncertain significance for TOMM70-related neurodevelopmental disorder. Last evaluated: 2020-01-10. Review status: criteria provided, single submitter. Criteria: ACMG Guidelines, 2015. Collection method: clinical testing. Allele origin: de novo. Inheritance: Autosomal dominant inheritance. Affected: yes. Observed: 1 variant allele, 1 heterozygote.
Comment: Fly data indicates variant is hypomorphic.

NM_014820.5(TOMM70):c.1820C>T (p.Thr607Ile)

Gene: TOMM70 (translocase of outer mitochondrial membrane 70; minus strand). Cytogenetic location: 3q12.2.
Variant type: single nucleotide variant.
Coding change: c.1820C>T on transcript NM_014820.5 (MANE Select); coding-DNA position 1820, C replaced by T.
Protein change: p.Thr607Ile; replaces threonine 607 with isoleucine.
Molecular consequence: missense variant.
Genome position (GRCh38, 1-based): chr3:100,365,571, G>A on the plus strand (C>T on the coding strand, the complement: TOMM70 is on the minus strand). VCF-style: chr3-100365571-G-A. GRCh37 (hg19) VCF-style: chr3-100084415-G-A.
Other names: short protein forms T607I.
Identifiers: ClinVar variation 870576 (VCV000870576.3), dbSNP rs1706440222, ClinGen allele CA353832697.